The following is an entry in ClinVar:

ClinVar aggregate classification (germline): Likely benign. Review status: criteria provided, multiple submitters, no conflicts (2 of 4 stars). 2 submissions from 2 submitters: Likely benign (2). Last evaluated 2022-03-27.

Conditions:
Brugada syndrome 5 (BRGDA5). Identifiers: Orphanet 130, Orphanet 871, MedGen C2748541, MONDO:0013015, OMIM 612838.

Submissions (2):

Labcorp Genetics (formerly Invitae), Labcorp
Classification: Likely benign for Brugada syndrome 5. Last evaluated: 2022-03-27. Review status: criteria provided, single submitter. Criteria: Invitae Variant Classification Sherloc (09022015). Collection method: clinical testing. Allele origin: germline.

GeneDx
Classification: Likely benign. Last evaluated: 2018-06-05. Review status: criteria provided, single submitter. Criteria: GeneDx Variant Classification (06012015). Collection method: clinical testing. Allele origin: germline. Affected: yes.
Comment: This variant is considered likely benign or benign based on one or more of the following criteria: it is a conservative change, it occurs at a poorly conserved position in the protein, it is predicted to be benign by multiple in silico algorithms, and/or has population frequency not consistent with disease.

NM_001037.5(SCN1B):c.429C>T (p.His143=)

Gene: SCN1B (sodium voltage-gated channel beta subunit 1; plus strand). Cytogenetic location: 19q13.11.
Variant type: single nucleotide variant.
Coding change: c.429C>T on transcript NM_001037.5 (MANE Select); coding-DNA position 429, C replaced by T.
Protein change: p.His143=; no amino-acid change (histidine 143 retained).
Molecular consequence: synonymous variant.
Genome position (GRCh38, 1-based): chr19:35,033,720, C>T. VCF-style: chr19-35033720-C-T. GRCh37 (hg19) VCF-style: chr19-35524624-C-T.
Other names: c.330C>T, p.His110= (NM_001321605.2); c.429C>T, p.His143= (NM_199037.5).
Identifiers: ClinVar variation 669034 (VCV000669034.5), dbSNP rs1600364945, ClinGen allele CA507298241.